The following is an entry in ClinVar:

NM_001291415.2(KDM6A):c.4190del (p.Thr1397fs)

Gene: KDM6A (lysine demethylase 6A; plus strand). Cytogenetic location: Xp11.3.
Variant type: Deletion.
Coding change: c.4190del on transcript NM_001291415.2 (MANE Select); coding-DNA position 4190, one base deleted (C; older notation c.4190delC).
Protein change: p.Thr1397fs; shifts the reading frame from threonine 1397.
Molecular consequence: frameshift variant. On other transcripts: non-coding transcript variant (1).
Genome position (GRCh38, 1-based): chrX:45,110,107, C deleted. VCF-style (leftmost placement, unchanged base first): chrX-45110106-AC-A. GRCh37 (hg19) VCF-style: chrX-44969351-AC-A.
Other names: c.4055del, p.Thr1352fs (NM_001291416.2); c.3899del, p.Thr1300fs (NM_001291417.2); c.3797del, p.Thr1266fs (NM_001291418.2); c.3146del, p.Thr1049fs (NM_001291421.2); c.4034del, p.Thr1345fs (NM_021140.4); short protein forms T1049fs, T1300fs, T1345fs, T1397fs, T1352fs, T1266fs.
Identifiers: ClinVar variation 161744 (VCV000161744.2), dbSNP rs193921028, ClinGen allele CA174707.
Genomic context (GRCh38, chrX:45,110,106, plus strand): 5'-CTATTGAATACGTTTTTCTCTTGTATAAAACAGGTGGAGGTTTTTGATCTGCTTTTTGTC[AC>A]TAATGAGAGTAATTCACGAAAGACCTACATAGTACATTGCCAAGATTGTGCACGAAAAAC-3'

ClinVar aggregate classification (germline): Uncertain significance (0 of 4 stars; one submission).

Conditions:
Prostate cancer. Also called: Malignant tumor of prostate. Identifiers: Orphanet 1331, MedGen C0376358, MONDO:0008315, HP:0012125.

Submission:

Science for Life laboratory,  Karolinska Institutet
Classification: Uncertain significance for Malignant tumor of prostate. Review status: no assertion criteria provided. Collection method: not provided. Allele origin: somatic.
Comment: TumorID:SWE-7
ClinVar note: Converted during submission from Unknown to Uncertain significance.